The following is an entry in ClinVar:

NM_004415.4(DSP):c.946A>G (p.Met316Val)

Gene: DSP (desmoplakin; plus strand). Cytogenetic location: 6p24.3.
Variant type: single nucleotide variant.
Coding change: c.946A>G on transcript NM_004415.4 (MANE Select); coding-DNA position 946, A replaced by G.
Protein change: p.Met316Val; replaces methionine 316 with valine.
Molecular consequence: missense variant.
Genome position (GRCh38, 1-based): chr6:7,566,383, A>G. VCF-style: chr6-7566383-A-G. GRCh37 (hg19) VCF-style: chr6-7566616-A-G.
Other names: c.946A>G (NM_004415.3, LRG_423t1); c.946A>G, p.Met316Val (NM_001008844.3, NM_001319034.2); short protein forms M316V.
Identifiers: ClinVar variation 496252 (VCV000496252.23), dbSNP rs201672777, ClinGen allele CA053338.

ClinVar aggregate classification (germline): Conflicting classifications of pathogenicity. Review status: criteria provided, conflicting classifications (1 of 4 stars). 7 submissions from 7 submitters: Uncertain significance (6); Likely benign (1). Last evaluated 2026-05-19.

Conditions:
DSP-related disorder. Also called: DSP-related condition; DSP-related disorders.
Cardiovascular phenotype. Identifiers: MedGen CN230736.
Cardiomyopathy, dilated, with wooly hair, keratoderma, and tooth agenesis. Also called: Cardiomyopathy, dilated, with woolly hair, keratoderma, and tooth agenesis; Erythrokeratodermia-cardiomyopathy syndrome. Identifiers: Orphanet 476096, Orphanet 65282, MedGen C4014393, MONDO:0014355, OMIM 615821.
Woolly hair-skin fragility syndrome (WHSF). Identifiers: Orphanet 293165, MedGen C1843292, MONDO:0957307, OMIM 620415.
Arrhythmogenic right ventricular dysplasia 8 (ARVD8). Also called: ARRHYTHMOGENIC RIGHT VENTRICULAR DYSPLASIA, FAMILIAL, 8; ARRHYTHMOGENIC RIGHT VENTRICULAR CARDIOMYOPATHY 8; Arrhythmogenic Right Ventricular Dysplasia/Cardiomyopathy 8. Identifiers: MedGen C1843896, MONDO:0011831, OMIM 607450.
Arrhythmogenic cardiomyopathy with wooly hair and keratoderma. Also called: PALMOPLANTAR KERATODERMA WITH LEFT VENTRICULAR CARDIOMYOPATHY AND WOOLLY HAIR; Carvajal syndrome; Dilated cardiomyopathy with woolly hair and keratoderma; Arrhythmogenic cardiomyopathy with woolly hair and keratoderma. Identifiers: Orphanet 65282, MedGen C1854063, MONDO:0011581, OMIM 605676.
Keratosis palmoplantaris striata 2. Also called: KERATODERMA, PALMOPLANTAR, STRIATE FORM II; STRIATE PALMOPLANTAR KERATODERMA II; Keratosis palmoplantaris striata II. Identifiers: MedGen C1852127, MONDO:0013034, OMIM 612908.
Lethal acantholytic epidermolysis bullosa (EBLA). Identifiers: Orphanet 158687, MedGen C1864826, MONDO:0012323, OMIM 609638.
Cardiomyopathy (CMYO). Also called: Cardiomyopathies. Identifiers: Orphanet 167848, MedGen C0878544, MONDO:0004994, HP:0001638. Inheritance: Various modes of inheritance.

Allele frequency attached by ClinVar (database versions not stated): gnomAD 0.00001 and 0.00002; ExAC 0.00002; gnomAD exomes 0.00002; TOPMed 0.00003; ESP Exome Variant Server 0.00008.
gnomAD v4.1: 41 of 1,613,118 alleles (0.0025%); highest among the groups gnomAD compares: Admixed American, 0.005%; no homozygotes.

Submissions (7):

Women's Health and Genetics/Laboratory Corporation of America, LabCorp
Classification: Uncertain significance. Last evaluated: 2026-05-19. Review status: criteria provided, single submitter. Criteria: LabCorp Variant Classification Summary - May 2015. Collection method: clinical testing. Allele origin: germline.
Comment: Variant summary: DSP c.946A>G (p.Met316Val) results in a conservative amino acid change in the encoded protein sequence. Algorithms developed to predict the effect of missense changes on protein structure and function are either unavailable or do not agree on the potential impact of this missense change. The variant allele was found at a frequency of 2e-05 in 250602 control chromosomes (gnomAD). The available data on variant occurrences in the general population are insufficient to allow any conclusion about variant significance. c.946A>G has been reported in the literature in individuals affected with sudden unexpected death (examples: Campuzano_2014, and Sanchez_2016). These reports do not provide unequivocal conclusions about association of the variant with disease. To our knowledge, no experimental evidence demonstrating an impact on protein function has been reported. The following publications have been ascertained in the context of this evaluation (PMID: 25447171, 27930701). ClinVar contains an entry for this variant (Variation ID: 496252). Based on the evidence outlined above, the variant was classified as uncertain significance.

PreventionGenetics, part of Exact Sciences
Classification: Uncertain significance for DSP-related condition. Last evaluated: 2026-03-10. Review status: criteria provided, single submitter. Criteria: ACMG Guidelines, 2015. Collection method: clinical testing. Allele origin: germline.
Comment: The DSP c.946A>G variant is predicted to result in the amino acid substitution p.Met316Val. This variant has been reported in individuals with sudden cardiac death or dilated cardiomyopathy (Campuzano et al. 2014. PubMed ID: 25447171; Table S5, Perret et al. 2024. PubMed ID: 37904629). This variant is reported in 0.0029% of alleles in individuals of Latino descent in gnomAD. At this time, the clinical significance of this variant is uncertain due to the absence of conclusive functional and genetic evidence.

Labcorp Genetics (formerly Invitae), Labcorp
Classification: Likely benign for Arrhythmogenic cardiomyopathy with wooly hair and keratoderma; Arrhythmogenic right ventricular dysplasia 8. Last evaluated: 2025-11-12. Review status: criteria provided, single submitter. Criteria: Invitae Variant Classification Sherloc (09022015). Collection method: clinical testing. Allele origin: germline.

Ambry Genetics
Classification: Uncertain significance for Cardiovascular phenotype. Last evaluated: 2025-09-01. Review status: criteria provided, single submitter. Criteria: Ambry Variant Classification Scheme 2023. Collection method: clinical testing. Allele origin: germline.

Color Diagnostics, LLC DBA Color Health
Classification: Uncertain significance for Cardiomyopathy. Last evaluated: 2024-12-30. Review status: criteria provided, single submitter. Criteria: ACMG Guidelines, 2015. Collection method: clinical testing. Allele origin: germline.
Comment: This missense variant replaces methionine with valine at codon 316 of the DSP protein. Computational prediction is inconclusive regarding the impact of this variant on protein structure and function. To our knowledge, functional studies have not been reported for this variant. This variant has been reported in an individual affected with sudden cardiac death (PMID: 25447171) and in at least one individual affected with dilated cardiomyopathy (PMID: 37904629). This variant has been identified in 5/250602 chromosomes in the general population by the Genome Aggregation Database (gnomAD). The available evidence is insufficient to determine the role of this variant in disease conclusively. Therefore, this variant is classified as a Variant of Uncertain Significance.

Blueprint Genetics
Classification: Uncertain significance. Last evaluated: 2023-05-25. Review status: criteria provided, single submitter. Criteria: ACMG Guidelines, 2015. Collection method: clinical testing. Allele origin: germline.

Fulgent Genetics
Classification: Uncertain significance for Arrhythmogenic cardiomyopathy with wooly hair and keratoderma; Arrhythmogenic right ventricular dysplasia 8; Lethal acantholytic epidermolysis bullosa; Keratosis palmoplantaris striata 2; Cardiomyopathy, dilated, with wooly hair, keratoderma, and tooth agenesis. Last evaluated: 2021-08-10. Review status: criteria provided, single submitter. Criteria: ACMG Guidelines, 2015. Collection method: clinical testing. Allele origin: unknown.

Literature cited by the submitters: PubMed 25447171 (cited by Women's Health and Genetics/Laboratory Corporation of America, LabCorp and Color Diagnostics, LLC DBA Color Health); PubMed 27930701 (cited by Women's Health and Genetics/Laboratory Corporation of America, LabCorp); PubMed 37904629 (cited by Color Diagnostics, LLC DBA Color Health).